The following is an entry in ClinVar:

ClinVar aggregate classification (germline): Uncertain significance. Review status: criteria provided, multiple submitters, no conflicts (2 of 4 stars). 2 submissions from 2 submitters: Uncertain significance (2). Last evaluated 2020-05-19.

Allele frequency attached by ClinVar (database versions not stated): ExAC 0.00024; TOPMed 0.00068; gnomAD 0.00088.
gnomAD v4.1: 1,446 of 1,396,028 alleles (0.1%); highest among the groups gnomAD compares: Non-Finnish European, 0.13%; 2 homozygotes.

Submissions (2):

GeneDx
Classification: Uncertain significance. Last evaluated: 2020-05-19. Review status: criteria provided, single submitter. Criteria: GeneDx Variant Classification Process June 2021. Collection method: clinical testing. Allele origin: germline. Affected: yes.
Comment: In silico analysis supports that this missense variant does not alter protein structure/function; Has not been previously published as pathogenic or benign to our knowledge

Center for Pediatric Genomic Medicine, Children's Mercy Hospital and Clinics
Classification: Uncertain significance. Last evaluated: 2017-02-03. Review status: criteria provided, single submitter. Criteria: ACMG Guidelines, 2015. Collection method: clinical testing. Allele origin: germline.
ClinVar note: Converted during submission from Uncertain Significance to Uncertain significance.

NM_198576.4(AGRN):c.44C>G (p.Pro15Arg)

Gene: AGRN (agrin; plus strand). Cytogenetic location: 1p36.33.
Variant type: single nucleotide variant.
Coding change: c.44C>G on transcript NM_198576.4 (MANE Select); coding-DNA position 44, C replaced by G.
Protein change: p.Pro15Arg; replaces proline 15 with arginine.
Molecular consequence: missense variant.
Genome position (GRCh38, 1-based): chr1:1,020,216, C>G. VCF-style: chr1-1020216-C-G. GRCh37 (hg19) VCF-style: chr1-955596-C-G.
Other names: c.44C>G, p.Pro15Arg (NM_001305275.2); short protein forms P15R.
Identifiers: ClinVar variation 377270 (VCV000377270.4), dbSNP rs764659938, ClinGen allele CA507761.